The following is an entry in ClinVar:

NM_182961.4(SYNE1):c.3262C>T (p.Leu1088Phe)

Gene: SYNE1 (spectrin repeat containing nuclear envelope protein 1; minus strand). Cytogenetic location: 6q25.2.
Variant type: single nucleotide variant.
Coding change: c.3262C>T on transcript NM_182961.4 (MANE Select); coding-DNA position 3262, C replaced by T.
Protein change: p.Leu1088Phe; replaces leucine 1088 with phenylalanine.
Molecular consequence: missense variant.
Genome position (GRCh38, 1-based): chr6:152,450,758, G>A on the plus strand (C>T on the coding strand, the complement: SYNE1 is on the minus strand). VCF-style: chr6-152450758-G-A. GRCh37 (hg19) VCF-style: chr6-152771893-G-A.
Other names: c.3283C>T, p.Leu1095Phe (NM_033071.5); short protein forms L1095F, L1088F.
Identifiers: ClinVar variation 842090 (VCV000842090.9), dbSNP rs2098641244, ClinGen allele CA366149817.
Genomic context (GRCh38, chr6:152,450,758, plus strand): 5'-GCTCTTTGAGAGTCACGTGACAGGTTCCAGGTGTGTCCCTTACTGGGTCCCGCACTGGGA[G>A]TTTCACACAGAGTTCCTCGATGAGCTGTAACCTTTTCTCACAGAGATGATGAGGACCTTT-3'
Protein context (NP_892006.3, residues 1078-1098): LQLIEELCVK[Leu1088Phe]PVRDPVRDTP

ClinVar aggregate classification (germline): Uncertain significance (1 of 4 stars; one submission).

Conditions:
Emery-Dreifuss muscular dystrophy 4, autosomal dominant (EDMD4). Also called: EMERY-DREIFUSS MUSCULAR DYSTROPHY 4 WITH VARIABLE FEATURES. Identifiers: Orphanet 261, MedGen C2751807, MONDO:0013071, OMIM 612998.
Autosomal recessive ataxia, Beauce type. Also called: Spinocerebellar ataxia, autosomal recessive 8; ATAXIA, RECESSIVE, OF BEAUCE; SYNE1-Related Autosomal Recessive Cerebellar Ataxia; SYNE1 Deficiency. Identifiers: Orphanet 88644, MedGen C1853116, MONDO:0012549, OMIM 610743.

Allele frequency attached by ClinVar (database versions not stated): gnomAD exomes below 0.00001.
gnomAD v4.1: 4 of 1,614,148 alleles (0.00025%); highest among the groups gnomAD compares: East Asian, 0.0022%; no homozygotes.

Submission:

Labcorp Genetics (formerly Invitae), Labcorp
Classification: Uncertain significance for Emery-Dreifuss muscular dystrophy 4, autosomal dominant; Autosomal recessive ataxia, Beauce type. Last evaluated: 2022-08-23. Review status: criteria provided, single submitter. Criteria: Invitae Variant Classification Sherloc (09022015). Collection method: clinical testing. Allele origin: germline.
Comment: Algorithms developed to predict the effect of missense changes on protein structure and function are either unavailable or do not agree on the potential impact of this missense change (SIFT: "Deleterious"; PolyPhen-2: "Probably Damaging"; Align-GVGD: "Class C0"). In summary, the available evidence is currently insufficient to determine the role of this variant in disease. Therefore, it has been classified as a Variant of Uncertain Significance. ClinVar contains an entry for this variant (Variation ID: 842090). This sequence change replaces leucine, which is neutral and non-polar, with phenylalanine, which is neutral and non-polar, at codon 1095 of the SYNE1 protein (p.Leu1095Phe). This variant is not present in population databases (gnomAD no frequency). This variant has not been reported in the literature in individuals affected with SYNE1-related conditions.